The following is an entry in ClinVar:

NM_001853.4(COL9A3):c.1732_1734del (p.Gly578del)

Gene: COL9A3 (collagen type IX alpha 3 chain; plus strand). Cytogenetic location: 20q13.33.
Variant type: Deletion.
Coding change: c.1732_1734del on transcript NM_001853.4 (MANE Select); coding-DNA positions 1732 to 1734, 3 bases deleted (GGA; older notation c.1732_1734delGGA).
Protein change: p.Gly578del; deletes glycine 578.
Molecular consequence: inframe deletion.
Genome position (GRCh38, 1-based): chr20:62,837,211-62,837,213, GGA deleted; deleting any 3 consecutive bases within chr20:62,837,209-62,837,213 gives the same sequence; the c. name uses the placement nearest the transcript's 3' end. VCF-style (leftmost placement, unchanged base first): chr20-62837208-CGAG-C. GRCh37 (hg19) VCF-style: chr20-61468560-CGAG-C.
Other names: short protein forms G578del.
Identifiers: ClinVar variation 2992810 (VCV002992810.3), dbSNP rs2063643742, ClinGen allele CA1019233556.

ClinVar aggregate classification (germline): Uncertain significance (1 of 4 stars; one submission).

Submission:

Labcorp Genetics (formerly Invitae), Labcorp
Classification: Uncertain significance. Last evaluated: 2025-08-11. Review status: criteria provided, single submitter. Criteria: Invitae Variant Classification Sherloc (09022015). Collection method: clinical testing. Allele origin: germline.
Comment: This variant, c.1732_1734del, results in the deletion of 1 amino acid(s) of the COL9A3 protein (p.Gly578del), but otherwise preserves the integrity of the reading frame. This variant is not present in population databases (gnomAD no frequency). This variant has not been reported in the literature in individuals affected with COL9A3-related conditions. ClinVar contains an entry for this variant (Variation ID: 2992810). Experimental studies and prediction algorithms are not available or were not evaluated, and the functional significance of this variant is currently unknown. In summary, the available evidence is currently insufficient to determine the role of this variant in disease. Therefore, it has been classified as a Variant of Uncertain Significance.